The following is an entry in ClinVar:

ClinVar aggregate classification (germline): Uncertain significance (1 of 4 stars; one submission).

Conditions:
Developmental and epileptic encephalopathy, 12 (DEE12). Identifiers: MedGen C3150988, MONDO:0013389, OMIM 613722.

gnomAD v4.1: 2 of 1,548,248 alleles (0.00013%); highest among the groups gnomAD compares: African/African-American, 0.0027%; no homozygotes.

Submission:

Labcorp Genetics (formerly Invitae), Labcorp
Classification: Uncertain significance for Developmental and epileptic encephalopathy, 12. Last evaluated: 2020-10-20. Review status: criteria provided, single submitter. Criteria: Invitae Variant Classification Sherloc (09022015). Collection method: clinical testing. Allele origin: germline.
Comment: The frequency data for this variant in the population databases is considered unreliable, as metrics indicate insufficient coverage at this position in the ExAC database. This sequence change replaces glycine with aspartic acid at codon 442 of the PNKP protein (p.Gly442Asp). The glycine residue is highly conserved and there is a moderate physicochemical difference between glycine and aspartic acid. This variant has not been reported in the literature in individuals with PNKP-related conditions. In summary, the available evidence is currently insufficient to determine the role of this variant in disease. Therefore, it has been classified as a Variant of Uncertain Significance. Algorithms developed to predict the effect of missense changes on protein structure and function are either unavailable or do not agree on the potential impact of this missense change (SIFT: "Tolerated"; PolyPhen-2: "Possibly Damaging"; Align-GVGD: "Class C0").

NM_007254.4(PNKP):c.1325G>A (p.Gly442Asp)

Gene: PNKP (polynucleotide kinase 3'-phosphatase; minus strand). Cytogenetic location: 19q13.33.
Variant type: single nucleotide variant.
Coding change: c.1325G>A on transcript NM_007254.4 (MANE Select); coding-DNA position 1325, G replaced by A.
Protein change: p.Gly442Asp; replaces glycine 442 with aspartic acid.
Molecular consequence: missense variant.
Genome position (GRCh38, 1-based): chr19:49,861,669, C>T on the plus strand (G>A on the coding strand, the complement: PNKP is on the minus strand). VCF-style: chr19-49861669-C-T. GRCh37 (hg19) VCF-style: chr19-50364926-C-T.
Other names: short protein forms G442D.
Identifiers: ClinVar variation 1002852 (VCV001002852.7), dbSNP rs1360064159, ClinGen allele CA406933213.